The following is an entry in ClinVar:

NM_000138.5(FBN1):c.6815A>G (p.Tyr2272Cys)

Gene: FBN1 (fibrillin 1; minus strand). Cytogenetic location: 15q21.1.
Variant type: single nucleotide variant.
Coding change: c.6815A>G on transcript NM_000138.5 (MANE Select); coding-DNA position 6815, A replaced by G.
Protein change: p.Tyr2272Cys; replaces tyrosine 2272 with cysteine.
Molecular consequence: missense variant.
Genome position (GRCh38, 1-based): chr15:48,430,727, T>C on the plus strand (A>G on the coding strand, the complement: FBN1 is on the minus strand). VCF-style: chr15-48430727-T-C. GRCh37 (hg19) VCF-style: chr15-48722924-T-C.
Other names: c.6815A>G (NM_000138.4); short protein forms Y2272C.
Identifiers: ClinVar variation 1407992 (VCV001407992.8), dbSNP rs2141232534, ClinGen allele CA392332306.

ClinVar aggregate classification (germline): Pathogenic/Likely pathogenic. Review status: criteria provided, multiple submitters, no conflicts (2 of 4 stars). 4 submissions from 4 submitters: Pathogenic (1); Likely pathogenic (3). Last evaluated 2025-11-15.

Conditions:
FBN1-related disorder. Also called: FBN1-related disorders.
Marfan syndrome (MFS). Also called: Marfan syndrome type 1; Marfan's syndrome; FBN1-Related Marfan Syndrome; MARFAN SYNDROME, TYPE I; Marfan syndrome, classic. Identifiers: Orphanet 284963, Orphanet 558, MedGen C0024796, MONDO:0007947, OMIM 154700.
Familial thoracic aortic aneurysm and aortic dissection (TAAD). Also called: Thoracic aortic aneurysms and dissections. Identifiers: Orphanet 91387, MedGen C4707243, MONDO:0019625.

Submissions (4):

Labcorp Genetics (formerly Invitae), Labcorp
Classification: Pathogenic for Marfan syndrome; Familial thoracic aortic aneurysm and aortic dissection. Last evaluated: 2025-11-15. Review status: criteria provided, single submitter. Criteria: Invitae Variant Classification Sherloc (09022015). Collection method: clinical testing. Allele origin: germline.
Comment: This sequence change replaces tyrosine, which is neutral and polar, with cysteine, which is neutral and slightly polar, at codon 2272 of the FBN1 protein (p.Tyr2272Cys). This variant is not present in population databases (gnomAD no frequency). This missense change has been observed in individuals with clinical features of Marfan syndrome (PMID: 17627385, 17657824, 21895641, 34628919). ClinVar contains an entry for this variant (Variation ID: 1407992). Invitae Evidence Modeling of protein sequence and biophysical properties (such as structural, functional, and spatial information, amino acid conservation, physicochemical variation, residue mobility, and thermodynamic stability) indicates that this missense variant is expected to disrupt FBN1 protein function with a positive predictive value of 95%. For these reasons, this variant has been classified as Pathogenic.

Blueprint Genetics
Classification: Likely pathogenic for FBN1-related disorders. Last evaluated: 2023-06-27. Review status: criteria provided, single submitter. Criteria: ACMG Guidelines, 2015. Collection method: clinical testing. Allele origin: germline. Affected: yes. Observed: 1 variant allele.

CHEO Genetics Diagnostic Laboratory, Children's Hospital of Eastern Ontario
Classification: Likely pathogenic for Familial thoracic aortic aneurysm and aortic dissection. Last evaluated: 2023-04-04. Review status: criteria provided, single submitter. Criteria: ACMG Guidelines, 2015. Collection method: clinical testing. Allele origin: germline.

GeneDx
Classification: Likely pathogenic. Last evaluated: 2022-11-14. Review status: criteria provided, single submitter. Criteria: GeneDx Variant Classification Process June 2021. Collection method: clinical testing. Allele origin: germline. Affected: yes.
Comment: Reported in a patient with ectopia lentis and minor skeletal and skin features (Comeglio et al., 2007; Aragon-Martin et al., 2010) and in a patient with mitral valve prolapse and dilated aortic root (Duan et al., 2021) in published literature; Not observed at significant frequency in large population cohorts (gnomAD); In silico analysis supports that this missense variant has a deleterious effect on protein structure/function; Introduces a new cysteine residue within a calcium-binding EGF-like domain of the FBN1 gene, which may affect disulfide bonding and is predicted to alter the structure and function of the protein; cysteine substitutions in the calcium-binding EGF-like domains represent the majority of pathogenic missense changes associated with FBN1-related disorders (Collod-Beroud et al., 2003); This variant is associated with the following publications: (PMID: 20564469, 32123317, 17657824, 34628919, 21895641, 17627385, 12938084)

Literature cited by the submitters: PubMed 17627385 (cited by Labcorp Genetics (formerly Invitae), Labcorp); PubMed 17657824 (cited by Labcorp Genetics (formerly Invitae), Labcorp); PubMed 21895641 (cited by Labcorp Genetics (formerly Invitae), Labcorp); PubMed 34628919 (cited by Labcorp Genetics (formerly Invitae), Labcorp).